The following is an entry in ClinVar:

NM_000313.4(PROS1):c.1517G>A (p.Trp506Ter)

Gene: PROS1 (protein S; minus strand). Cytogenetic location: 3q11.1.
Variant type: single nucleotide variant.
Coding change: c.1517G>A on transcript NM_000313.4 (MANE Select); coding-DNA position 1517, G replaced by A.
Protein change: p.Trp506Ter; replaces tryptophan 506 with a stop codon.
Molecular consequence: nonsense.
Genome position (GRCh38, 1-based): chr3:93,879,290, C>T on the plus strand (G>A on the coding strand, the complement: PROS1 is on the minus strand). VCF-style: chr3-93879290-C-T. GRCh37 (hg19) VCF-style: chr3-93598134-C-T.
Other names: c.1613G>A, p.Trp538Ter (NM_001314077.2); short protein forms W538*, W506*.
Identifiers: ClinVar variation 4732451 (VCV004732451.1).
Genomic context (GRCh38, chr3:93,879,290, plus strand): 5'-AAGGCAAGCATAACACCAGTGCCCGTGGATGGACGAATATTCAAGGTCACATTTACATGC[C>T]AACCCTCAGCACTGGATACATTATCTATTTAAAATAATGAAACAGAAGCATGATCAATGC-3'

ClinVar aggregate classification (germline): Pathogenic (1 of 4 stars; one submission).

Conditions:
Thrombophilia due to protein S deficiency, autosomal recessive (THPH6). Identifiers: Orphanet 743, MedGen C3281092, MONDO:0013791, OMIM 614514. Disease mechanism: loss of function.

Submission:

Labcorp Genetics (formerly Invitae), Labcorp
Classification: Pathogenic for Thrombophilia due to protein S deficiency, autosomal recessive. Last evaluated: 2025-12-03. Review status: criteria provided, single submitter. Criteria: Invitae Variant Classification Sherloc (09022015). Collection method: clinical testing. Allele origin: germline.
Comment: This sequence change creates a premature translational stop signal (p.Trp506*) in the PROS1 gene. It is expected to result in an absent or disrupted protein product. Loss-of-function variants in PROS1 are known to be pathogenic (PMID: 9241758). This variant is not present in population databases (gnomAD no frequency). This premature translational stop signal has been observed in individual(s) with protein S deficiency (PMID: 9031443). This variant is also known as W465X. For these reasons, this variant has been classified as Pathogenic.

Literature cited by the submitters: PubMed 9241758; PubMed 9031443.